The following is an entry in ClinVar:

ClinVar aggregate classification (germline): Likely pathogenic (1 of 4 stars; one submission).

Conditions:
Adenine phosphoribosyltransferase deficiency (APRTD). Also called: APRT DEFICIENCY; NEPHROLITHIASIS, DHA; Urolithiasis, dha; 2,8-dihydroxyadenine urolithiasis. Identifiers: Orphanet 976, MedGen C0268120, MONDO:0013869, OMIM 614723.

Submission:

Rare Kidney Stone Consortium and the Mayo Clinic Hyperoxaluria Center, Mayo Clinic
Classification: Likely pathogenic for Adenine phosphoribosyltransferase deficiency. Last evaluated: 2025-10-03. Review status: criteria provided, single submitter. Criteria: ACMG Guidelines, 2015. Collection method: research. Allele origin: germline. Affected: yes. Observed: 1 variant allele.
Comment: ACMG:PM2, PM3, PP3, PP4

Literature cited by the submitters: PubMed 40794449.

NM_000485.3(APRT):c.401-40_401-25del

Gene: APRT (adenine phosphoribosyltransferase; minus strand). Cytogenetic location: 16q24.3.
Variant type: Deletion.
Coding change: c.401-40_401-25del on transcript NM_000485.3 (MANE Select); 40 bases into the intron before coding-DNA position 401 through 25 bases into the intron before coding-DNA position 401, 16 bases deleted (CAGCCCAGGCCAACTG).
Molecular consequence: intron variant.
Genome position (GRCh38, 1-based): chr16:88,809,865-88,809,880, CAGTTGGCCTGGGCTG deleted on the plus strand (CAGCCCAGGCCAACTG on the coding strand, the reverse complement: APRT is on the minus strand); deleting any 16 consecutive bases within chr16:88,809,865-88,809,883 gives the same sequence; the c. name uses the placement nearest the transcript's 3' end. VCF-style (leftmost placement, unchanged base first): chr16-88809864-CCAGTTGGCCTGGGCTG-C. GRCh37 (hg19) VCF-style: chr16-88876272-CCAGTTGGCCTGGGCTG-C.
Other names: c.401-174_401-159del (NM_001030018.2).
Identifiers: ClinVar variation 4526839 (VCV004526839.1).